The following is an entry in ClinVar:

ClinVar aggregate classification (germline): Uncertain significance (1 of 4 stars; one submission).

Allele frequency attached by ClinVar (database versions not stated): gnomAD 0.00001; TOPMed 0.00002; ESP Exome Variant Server 0.00008.

Submission:

Labcorp Genetics (formerly Invitae), Labcorp
Classification: Uncertain significance. Last evaluated: 2023-08-04. Review status: criteria provided, single submitter. Criteria: Invitae Variant Classification Sherloc (09022015). Collection method: clinical testing. Allele origin: germline.
Comment: This variant is present in population databases (rs374642837, gnomAD 0.008%). This sequence change replaces lysine, which is basic and polar, with arginine, which is basic and polar, at codon 160 of the POLD2 protein (p.Lys160Arg). This variant has not been reported in the literature in individuals affected with POLD2-related conditions. ClinVar contains an entry for this variant (Variation ID: 2126748). Experimental studies and prediction algorithms are not available or were not evaluated, and the functional significance of this variant is currently unknown. In summary, the available evidence is currently insufficient to determine the role of this variant in disease. Therefore, it has been classified as a Variant of Uncertain Significance.

NM_006230.4(POLD2):c.374A>G (p.Lys125Arg)

Gene: POLD2 (DNA polymerase delta 2, accessory subunit; minus strand). Cytogenetic location: 7p13.
Variant type: single nucleotide variant.
Coding change: c.374A>G on transcript NM_006230.4 (MANE Select); coding-DNA position 374, A replaced by G.
Protein change: p.Lys125Arg; replaces lysine 125 with arginine.
Molecular consequence: missense variant.
Genome position (GRCh38, 1-based): chr7:44,117,711, T>C on the plus strand (A>G on the coding strand, the complement: POLD2 is on the minus strand). VCF-style: chr7-44117711-T-C. GRCh37 (hg19) VCF-style: chr7-44157310-T-C.
Other names: c.374A>G, p.Lys125Arg (NM_001127218.3, NM_001256879.2); short protein forms K125R.
Identifiers: ClinVar variation 2126748 (VCV002126748.4), dbSNP rs374642837, ClinGen allele CA4238870.
Genomic context (GRCh38, chr7:44,117,711, plus strand): 5'-TTTAGTTTGATACGCTGCAGTTCATCTTCCAAGACCAGCTCGTCATCTGGGTGTATGTAT[T>C]TACTCCGAGGAGGCTGGGGGAGCAGGTTGTGCTGGAATGCAGAGACAGGAGGTATAATCT-3'
Protein context (NP_006221.3, residues 115-135): HNLLPQPPRS[Lys125Arg]YIHPDDELVL